The following is an entry in ClinVar:

NM_153460.4(IL17RC):c.1720G>A (p.Gly574Ser)

Gene: IL17RC (interleukin 17 receptor C; plus strand). Cytogenetic location: 3p25.3.
Variant type: single nucleotide variant.
Coding change: c.1720G>A on transcript NM_153460.4 (MANE Select); coding-DNA position 1720, G replaced by A.
Protein change: p.Gly574Ser; replaces glycine 574 with serine.
Molecular consequence: missense variant. On other transcripts: non-coding transcript variant (1).
Genome position (GRCh38, 1-based): chr3:9,933,150, G>A. VCF-style: chr3-9933150-G-A. GRCh37 (hg19) VCF-style: chr3-9974834-G-A.
Other names: c.1681G>A, p.Gly561Ser (NM_001203263.2); c.1630G>A, p.Gly544Ser (NM_001203264.2); c.1624G>A, p.Gly542Ser (NM_001203265.2); c.1642G>A, p.Gly548Ser (NM_001367278.1); c.1561G>A, p.Gly521Ser (NM_001367279.1); c.1636G>A, p.Gly546Ser (NM_001367280.1); c.1675G>A, p.Gly559Ser (NM_032732.6); c.1933G>A, p.Gly645Ser (NM_153461.4); short protein forms G561S, G574S, G521S, G544S, G559S, G645S, G542S, G546S.
Identifiers: ClinVar variation 966102 (VCV000966102.8), dbSNP rs762607242, ClinGen allele CA2247392.

ClinVar aggregate classification (germline): Uncertain significance. Review status: criteria provided, multiple submitters, no conflicts (2 of 4 stars). 2 submissions from 2 submitters: Uncertain significance (2). Last evaluated 2025-10-21.

Conditions:
Candidiasis, familial, 9 (CANDF9). Identifiers: Orphanet 1334, MedGen C4225324, MONDO:0014642, OMIM 616445.

Allele frequency attached by ClinVar (database versions not stated): ExAC 0.00002; gnomAD exomes 0.00004; gnomAD 0.00005 and 0.00006; TOPMed 0.00007.

Submissions (2):

Labcorp Genetics (formerly Invitae), Labcorp
Classification: Uncertain significance for Candidiasis, familial, 9. Last evaluated: 2025-10-21. Review status: criteria provided, single submitter. Criteria: Invitae Variant Classification Sherloc (09022015). Collection method: clinical testing. Allele origin: germline.
Comment: This sequence change replaces glycine, which is neutral and non-polar, with serine, which is neutral and polar, at codon 645 of the IL17RC protein (p.Gly645Ser). This variant is present in population databases (rs762607242, gnomAD 0.009%). This variant has not been reported in the literature in individuals affected with IL17RC-related conditions. ClinVar contains an entry for this variant (Variation ID: 966102). An algorithm developed to predict the effect of missense changes on protein structure and function (PolyPhen-2) suggests that this variant is likely to be disruptive. In summary, the available evidence is currently insufficient to determine the role of this variant in disease. Therefore, it has been classified as a Variant of Uncertain Significance.

Ambry Genetics
Classification: Uncertain significance. Last evaluated: 2025-02-07. Review status: criteria provided, single submitter. Criteria: Ambry Variant Classification Scheme 2023. Collection method: clinical testing. Allele origin: germline.